The following is an entry in ClinVar:

ClinVar aggregate classification (germline): Uncertain significance. Review status: criteria provided, multiple submitters, no conflicts (2 of 4 stars). 3 submissions from 3 submitters: Uncertain significance (3). Last evaluated 2024-07-04.

Conditions:
Charcot-Marie-Tooth disease type 4. Also called: Charcot-Marie-Tooth disease, type IV; Charcot-Marie-Tooth, Type 4. Identifiers: Orphanet 64749, MedGen C4082197, MONDO:0018995.
Charcot-Marie-Tooth disease type 4B2. Also called: CHARCOT-MARIE-TOOTH DISEASE, WITH FOCALLY FOLDED MYELIN SHEATHS, AUTOSOMAL RECESSIVE, TYPE 4B2; CMT 4B2; Charcot-Marie-Tooth Neuropathy Type 4B2; CHARCOT-MARIE-TOOTH DISEASE, DEMYELINATING, TYPE 4B2. Identifiers: Orphanet 99956, MedGen C1858278, MONDO:0011475, OMIM 604563.

Allele frequency attached by ClinVar (database versions not stated): gnomAD 0.00001; TOPMed 0.00002; gnomAD exomes 0.00004 and 0.00011; ExAC 0.00019.
gnomAD v4.1: 55 of 1,613,988 alleles (0.0034%); highest among the groups gnomAD compares: Non-Finnish European, 0.0043%; no homozygotes.

Submissions (3):

Blueprint Genetics
Classification: Uncertain significance. Last evaluated: 2024-07-04. Review status: criteria provided, single submitter. Criteria: ACMG Guidelines, 2015. Collection method: clinical testing. Allele origin: germline.

Labcorp Genetics (formerly Invitae), Labcorp
Classification: Uncertain significance for Charcot-Marie-Tooth disease type 4. Last evaluated: 2021-09-01. Review status: criteria provided, single submitter. Criteria: Invitae Variant Classification Sherloc (09022015). Collection method: clinical testing. Allele origin: germline.
Comment: This sequence change replaces arginine with cysteine at codon 1271 of the SBF2 protein (p.Arg1271Cys). The arginine residue is moderately conserved and there is a large physicochemical difference between arginine and cysteine. This variant is present in population databases (rs765001700, ExAC 0.03%). This variant has not been reported in the literature in individuals affected with SBF2-related conditions. Algorithms developed to predict the effect of missense changes on protein structure and function are either unavailable or do not agree on the potential impact of this missense change (SIFT: "Deleterious"; PolyPhen-2: "Probably Damaging"; Align-GVGD: "Class C0"). In summary, the available evidence is currently insufficient to determine the role of this variant in disease. Therefore, it has been classified as a Variant of Uncertain Significance.

Illumina Laboratory Services, Illumina
Classification: Uncertain significance for Charcot-Marie-Tooth disease type 4B2. Last evaluated: 2018-01-13. Review status: criteria provided, single submitter. Criteria: ICSL Variant Classification Criteria 13 December 2019. Collection method: clinical testing. Allele origin: germline.

NM_030962.4(SBF2):c.3811C>T (p.Arg1271Cys)

Gene: SBF2 (SET binding factor 2; minus strand). Cytogenetic location: 11p15.4.
Variant type: single nucleotide variant.
Coding change: c.3811C>T on transcript NM_030962.4 (MANE Select); coding-DNA position 3811, C replaced by T.
Protein change: p.Arg1271Cys; replaces arginine 1271 with cysteine.
Molecular consequence: missense variant.
Genome position (GRCh38, 1-based): chr11:9,817,007, G>A on the plus strand (C>T on the coding strand, the complement: SBF2 is on the minus strand). VCF-style: chr11-9817007-G-A. GRCh37 (hg19) VCF-style: chr11-9838554-G-A.
Other names: c.3907C>T, p.Arg1303Cys (NM_001386339.1); c.3682C>T, p.Arg1228Cys (NM_001386342.1); short protein forms R1271C, R1228C, R1303C.
Identifiers: ClinVar variation 844304 (VCV000844304.11), dbSNP rs765001700, ClinGen allele CA5881132.